The following is an entry in ClinVar:

ClinVar aggregate classification (germline): Benign (0 of 4 stars; one submission).

Conditions:
CPZ-related disorder. Also called: CPZ-related condition.

Allele frequency attached by ClinVar (database versions not stated): 1000 Genomes Project 30x 0.09838; 1000 Genomes Project 0.10104; ESP Exome Variant Server 0.14565; ExAC 0.20720.
gnomAD v4.1: 285,248 of 1,594,534 alleles (18%); highest among the groups gnomAD compares: South Asian, 20%; 27,405 homozygotes.

Submission:

PreventionGenetics, part of Exact Sciences
Classification: Benign for CPZ-related condition. Last evaluated: 2019-11-18. Review status: no assertion criteria provided. Collection method: clinical testing. Allele origin: germline.
Comment: This variant is classified as benign based on ACMG/AMP sequence variant interpretation guidelines (Richards et al. 2015 PMID: 25741868, with internal and published modifications).

NM_001014447.3(CPZ):c.389A>T (p.Gln130Leu)

Gene: CPZ (carboxypeptidase Z; plus strand). Cytogenetic location: 4p16.1.
Variant type: single nucleotide variant.
Coding change: c.389A>T on transcript NM_001014447.3 (MANE Select); coding-DNA position 389, A replaced by T.
Protein change: p.Gln130Leu; replaces glutamine 130 with leucine.
Molecular consequence: missense variant. On other transcripts: 5 prime UTR variant (1).
Genome position (GRCh38, 1-based): chr4:8,601,390, A>T. VCF-style: chr4-8601390-A-T. GRCh37 (hg19) VCF-style: chr4-8603117-A-T.
Other names: c.-23A>T (NM_001014448.3); c.356A>T, p.Gln119Leu (NM_003652.4); short protein forms Q119L, Q130L.
Identifiers: ClinVar variation 3056986 (VCV003056986.2), dbSNP rs35993494, ClinGen allele CA2853143.